The following is an entry in ClinVar:

NM_004333.6(BRAF):c.612G>C (p.Glu204Asp)

Gene: BRAF (B-Raf proto-oncogene, serine/threonine kinase; minus strand). Cytogenetic location: 7q34.
Variant type: single nucleotide variant.
Coding change: c.612G>C on transcript NM_004333.6 (MANE Select); coding-DNA position 612, G replaced by C.
Protein change: p.Glu204Asp; replaces glutamic acid 204 with aspartic acid.
Molecular consequence: missense variant.
Genome position (GRCh38, 1-based): chr7:140,808,059, C>G on the plus strand (G>C on the coding strand, the complement: BRAF is on the minus strand). VCF-style: chr7-140808059-C-G. GRCh37 (hg19) VCF-style: chr7-140507859-C-G.
Other names: c.612G>C, p.Glu204Asp (NM_001354609.2, NM_001374244.1, NM_001374258.1 and 4 more transcripts); c.621G>C, p.Glu207Asp (NM_001378467.1); c.510G>C, p.Glu170Asp (NM_001378470.1); c.456G>C, p.Glu152Asp (NM_001378472.1, NM_001378473.1); c.348G>C, p.Glu116Asp (NM_001378475.1); short protein forms E116D, E152D, E170D, E204D, E207D.
Identifiers: ClinVar variation 987824 (VCV000987824.9), dbSNP rs1202874043, ClinGen allele CA369591335.

ClinVar aggregate classification (germline): Uncertain significance. Review status: criteria provided, multiple submitters, no conflicts (2 of 4 stars). 2 submissions from 2 submitters: Uncertain significance (2). Last evaluated 2025-11-28.

Conditions:
RASopathy. Also called: Noonan spectrum disorder; rasopathies. Identifiers: Orphanet 536391, MedGen C5555857, MONDO:0021060.

Allele frequency attached by ClinVar (database versions not stated): gnomAD exomes 0.00001.
gnomAD v4.1: 3 of 1,609,068 alleles (0.00019%); highest among the groups gnomAD compares: Admixed American, 0.005%; no homozygotes.

Submissions (2):

Labcorp Genetics (formerly Invitae), Labcorp
Classification: Uncertain significance for RASopathy. Last evaluated: 2025-11-28. Review status: criteria provided, single submitter. Criteria: Invitae Variant Classification Sherloc (09022015). Collection method: clinical testing. Allele origin: germline.
Comment: This sequence change replaces glutamic acid, which is acidic and polar, with aspartic acid, which is acidic and polar, at codon 204 of the BRAF protein (p.Glu204Asp). This variant is present in population databases (no rsID available, gnomAD 0.006%). This variant has not been reported in the literature in individuals affected with BRAF-related conditions. ClinVar contains an entry for this variant (Variation ID: 987824). Invitae Evidence Modeling of protein sequence and biophysical properties (such as structural, functional, and spatial information, amino acid conservation, physicochemical variation, residue mobility, and thermodynamic stability) indicates that this missense variant is not expected to disrupt BRAF protein function with a negative predictive value of 80%. In summary, the available evidence is currently insufficient to determine the role of this variant in disease. Therefore, it has been classified as a Variant of Uncertain Significance.

Women's Health and Genetics/Laboratory Corporation of America, LabCorp
Classification: Uncertain significance. Last evaluated: 2020-11-16. Review status: criteria provided, single submitter. Criteria: LabCorp Variant Classification Summary - May 2015. Collection method: clinical testing. Allele origin: germline.
Comment: Variant summary: BRAF c.612G>C (p.Glu204Asp) results in a conservative amino acid change located in the Raf-like Ras-binding domain (IPR003116) of the encoded protein sequence. Three of five in-silico tools predict a benign effect of the variant on protein function. The variant allele was found at a frequency of 8e-06 in 251090 control chromosomes. The available data on variant occurrences in the general population are insufficient to allow any conclusion about variant significance. To the best of our knowledge, there are no occurences of c.612G>C in individuals affected with Cardiofaciocutaneous Syndrome and no experimental evidence demonstrating an impact on protein function reported in the literature. No clinical diagnostic laboratories have submitted clinical-significance assessments for this variant to ClinVar after 2014. Based on the evidence outlined above, the variant was classified as uncertain significance.

Literature cited by the submitters: PubMed 28027327 (cited by Women's Health and Genetics/Laboratory Corporation of America, LabCorp).